The following is an entry in ClinVar:

NM_002519.3(NPAT):c.3379A>G (p.Ile1127Val)

Gene: NPAT (nuclear protein, coactivator of histone transcription; minus strand). Cytogenetic location: 11q22.3.
Variant type: single nucleotide variant.
Coding change: c.3379A>G on transcript NM_002519.3 (MANE Select); coding-DNA position 3379, A replaced by G.
Protein change: p.Ile1127Val; replaces isoleucine 1127 with valine.
Molecular consequence: missense variant.
Genome position (GRCh38, 1-based): chr11:108,161,707, T>C on the plus strand (A>G on the coding strand, the complement: NPAT is on the minus strand). VCF-style: chr11-108161707-T-C. GRCh37 (hg19) VCF-style: chr11-108032434-T-C.
Other names: c.3400A>G, p.Ile1134Val (NM_001321307.1); short protein forms I1127V, I1134V.
Identifiers: ClinVar variation 1730789 (VCV001730789.2), dbSNP rs749891879, ClinGen allele CA382510940.

ClinVar aggregate classification (germline): Uncertain significance (1 of 4 stars; one submission).

Allele frequency attached by ClinVar (database versions not stated): gnomAD exomes below 0.00001.
gnomAD v4.1: 1 of 1,613,892 alleles (0.000062%); highest among the groups gnomAD compares: African/African-American, 0.0013%; no homozygotes.

Submission:

Ambry Genetics
Classification: Uncertain significance. Last evaluated: 2022-10-22. Review status: criteria provided, single submitter. Criteria: Ambry Variant Classification Scheme 2023. Collection method: clinical testing. Allele origin: germline.
Comment: The p.I1127V variant (also known as c.3379A>G), located in coding exon 17 of the NPAT gene, results from an A to G substitution at nucleotide position 3379. The isoleucine at codon 1127 is replaced by valine, an amino acid with highly similar properties. This amino acid position is conserved. In addition, this alteration is predicted to be tolerated by in silico analysis. Since supporting evidence is limited at this time, the clinical significance of this alteration remains unclear.